The following is an entry in ClinVar:

NM_004380.3(CREBBP):c.927C>G (p.Thr309=)

Gene: CREBBP (CREB binding lysine acetyltransferase; minus strand). Cytogenetic location: 16p13.3.
Variant type: single nucleotide variant.
Coding change: c.927C>G on transcript NM_004380.3 (MANE Select); coding-DNA position 927, C replaced by G.
Protein change: p.Thr309=; no amino-acid change (threonine 309 retained).
Molecular consequence: synonymous variant.
Genome position (GRCh38, 1-based): chr16:3,810,651, G>C on the plus strand (C>G on the coding strand, the complement: CREBBP is on the minus strand). VCF-style: chr16-3810651-G-C. GRCh37 (hg19) VCF-style: chr16-3860652-G-C.
Other names: c.927C>G, p.Thr309= (NM_001079846.1).
Identifiers: ClinVar variation 771483 (VCV000771483.10), dbSNP rs575297081, ClinGen allele CA7870563.

ClinVar aggregate classification (germline): Likely benign. Review status: criteria provided, single submitter (1 of 4 stars). 2 submissions from 2 submitters: Likely benign (1). 1 of the submissions does not count toward it. Last evaluated 2025-04-28.

Conditions:
CREBBP-related disorder. Also called: CREBBP-related disorders; CREBBP-related condition.
Rubinstein-Taybi syndrome (RSTS). Identifiers: Orphanet 783, MedGen C0035934, MONDO:0019188.

gnomAD v4.1: 70 of 1,613,740 alleles (0.0043%); highest among the groups gnomAD compares: South Asian, 0.06%; no homozygotes.

Submissions (2):

Labcorp Genetics (formerly Invitae), Labcorp
Classification: Likely benign for Rubinstein-Taybi syndrome. Last evaluated: 2025-04-28. Review status: criteria provided, single submitter. Criteria: Invitae Variant Classification Sherloc (09022015). Collection method: clinical testing. Allele origin: germline.

PreventionGenetics, part of Exact Sciences
Classification: Likely benign for CREBBP-related condition. Last evaluated: 2019-05-06. Review status: no assertion criteria provided. Collection method: clinical testing. Allele origin: germline. Not counted in ClinVar's aggregate classification.
Comment: This variant is classified as likely benign based on ACMG/AMP sequence variant interpretation guidelines (Richards et al. 2015 PMID: 25741868, with internal and published modifications).